The following is an entry in ClinVar:

ClinVar aggregate classification (germline): Uncertain significance (1 of 4 stars; one submission).

Conditions:
Early-infantile DEE. Also called: Ohtahara syndrome; Early infantile epileptic encephalopathy; Early infantile epileptic encephalopathy with suppression bursts. Identifiers: Orphanet 1934, MedGen C0393706, MONDO:0800491.

Submission:

Labcorp Genetics (formerly Invitae), Labcorp
Classification: Uncertain significance for Early-infantile DEE. Last evaluated: 2024-10-30. Review status: criteria provided, single submitter. Criteria: Invitae Variant Classification Sherloc (09022015). Collection method: clinical testing. Allele origin: germline.
Comment: This sequence change falls in intron 20 of the SCN1A gene. It does not directly change the encoded amino acid sequence of the SCN1A protein. However, this sequence change falls within a region encompassing a cryptic exon in the SCN1A gene, in which variants have been shown to alter splicing (PMID: 30526861, 34107977). This variant is not present in population databases (gnomAD no frequency). This variant has been observed in individual(s) with clinical features of developmental and epileptic encephalopathy (internal data). ClinVar contains an entry for this variant (Variation ID: 2777443). Algorithms developed to predict the effect of sequence changes on RNA splicing suggest that this variant is not likely to affect RNA splicing. In summary, the available evidence is currently insufficient to determine the role of this variant in disease. Therefore, it has been classified as a Variant of Uncertain Significance.

Literature cited by the submitters: PubMed 30526861; PubMed 34107977.

NM_001165963.4(SCN1A):c.4002+2264T>C

Genes: SCN1A (sodium voltage-gated channel alpha subunit 1; minus strand), LOC102724058 (uncharacterized LOC102724058; plus strand). Cytogenetic location: 2q24.3.
Variant type: single nucleotide variant.
Coding change: c.4002+2264T>C on transcript NM_001165963.4 (MANE Select); 2264 bases into the intron after coding-DNA position 4002, T replaced by C.
Molecular consequence: intron variant.
Genome position (GRCh38, 1-based): chr2:166,007,455, A>G on the plus strand (T>C on the coding strand, the complement: SCN1A is on the minus strand). VCF-style: chr2-166007455-A-G. GRCh37 (hg19) VCF-style: chr2-166863965-A-G.
Other names: c.3969+2264T>C (NM_001353949.2, NM_001353950.2, NM_001353951.2 and 2 more transcripts); c.3918+2264T>C (NM_001353958.2, NM_001353957.2, NM_001165964.3); c.4002+2264T>C (NM_001202435.3, NM_001353948.2); c.3966+2264T>C (NM_001353955.2, NM_001353954.2); c.3915+2264T>C (NM_001353960.2); c.1560+2264T>C (NM_001353961.2).
Identifiers: ClinVar variation 2777443 (VCV002777443.3), dbSNP rs1030736106, ClinGen allele CA2739271478.